The following is an entry in ClinVar:

ClinVar aggregate classification (germline): Uncertain significance (1 of 4 stars; one submission).

Conditions:
Metachromatic leukodystrophy (MLD). Also called: Arylsulfatase A Deficiency; Cerebral sclerosis diffuse metachromatic form; ARSA DEFICIENCY; CEREBROSIDE SULFATASE DEFICIENCY; SULFATIDE LIPIDOSIS; METACHROMATIC LEUKOENCEPHALOPATHY. Identifiers: Orphanet 512, MedGen C0023522, MONDO:0018868, OMIM 250100.

Allele frequency attached by ClinVar (database versions not stated): gnomAD exomes 0.00001.

Submission:

Labcorp Genetics (formerly Invitae), Labcorp
Classification: Uncertain significance for Metachromatic leukodystrophy. Last evaluated: 2021-10-20. Review status: criteria provided, single submitter. Criteria: Invitae Variant Classification Sherloc (09022015). Collection method: clinical testing. Allele origin: germline.
Comment: This sequence change replaces valine with glycine at codon 93 of the ARSA protein (p.Val93Gly). The valine residue is highly conserved and there is a moderate physicochemical difference between valine and glycine. This variant is not present in population databases (ExAC no frequency). This variant has not been reported in the literature in individuals affected with ARSA-related conditions. Algorithms developed to predict the effect of missense changes on protein structure and function are either unavailable or do not agree on the potential impact of this missense change (SIFT: "Deleterious"; PolyPhen-2: "Possibly Damaging"; Align-GVGD: "Class C0"). In summary, the available evidence is currently insufficient to determine the role of this variant in disease. Therefore, it has been classified as a Variant of Uncertain Significance.

NM_000487.6(ARSA):c.278T>G (p.Val93Gly)

Gene: ARSA (arylsulfatase A; minus strand). Cytogenetic location: 22q13.33.
Variant type: single nucleotide variant.
Coding change: c.278T>G on transcript NM_000487.6 (MANE Select); coding-DNA position 278, T replaced by G.
Protein change: p.Val93Gly; replaces valine 93 with glycine.
Molecular consequence: missense variant.
Genome position (GRCh38, 1-based): chr22:50,627,353, A>C on the plus strand (T>G on the coding strand, the complement: ARSA is on the minus strand). VCF-style: chr22-50627353-A-C. GRCh37 (hg19) VCF-style: chr22-51065781-A-C.
Other names: c.278T>G, p.Val93Gly (NM_001085425.3, NM_001085426.3, NM_001085427.3); c.20T>G, p.Val7Gly (NM_001085428.3, NM_001362782.2); short protein forms V7G, V93G.
Identifiers: ClinVar variation 1493371 (VCV001493371.3), dbSNP rs2146726476, ClinGen allele CA412181642.
Genomic context (GRCh38, chr22:50,627,353, plus strand): 5'-AGGACTTCGGCCACGGTCACCTCCTCCAGGGGCAGGCCCCCCCGGGAGCTGGGCACCAGG[A>C]CGCCAGGGTACATGCCCATCCGAACCGGGAGCCGGCCGGTCAGGAGGGCGGCCCTGCGGG-3'
Protein context (NP_000478.3, residues 83-103): LPVRMGMYPG[Val93Gly]LVPSSRGGLP